The following is an entry in ClinVar:

NC_000023.10:g.(154722157_154736558)_(154774939_154842452)dup

Gene: TMLHE (trimethyllysine hydroxylase, epsilon; minus strand). Cytogenetic location: Xq28.
Variant type: Duplication.
Identifiers: ClinVar variation 4853722 (VCV004853722.1).

ClinVar aggregate classification (germline): Uncertain significance (1 of 4 stars; one submission).

Submission:

Women's Health and Genetics/Laboratory Corporation of America, LabCorp
Classification: Uncertain significance. Last evaluated: 2026-05-21. Review status: criteria provided, single submitter. Criteria: LabCorp Variant Classification Summary - May 2015. Collection method: clinical testing. Allele origin: germline.
Comment: Variant summary: The variant involves the duplication of exons 2-6 in the TMLHE gene. A presumed nomenclature of c.(-2+1_-1-1)_(995+1_996-1)dup has been designated for the purposes of this classification. This variant is predicted to duplicate a segment including the initiation codon, therefore its impact on the encoded protein is unknown. The variant was absent in 16120 control chromosomes. The available data on variant occurrences in the general population are insufficient to allow any conclusion about variant significance. To our knowledge, no occurrence of c.(-2+1_-1-1)_(995+1_996-1)dup in individuals affected with TMLHE-related conditions and no experimental evidence demonstrating its impact on protein function have been reported. ClinVar contains an entry for this variant (Variation ID: 145132). Based on the evidence outlined above, the variant was classified as uncertain significance.